The following is an entry in ClinVar:

ClinVar aggregate classification (germline): Conflicting classifications of pathogenicity. Review status: criteria provided, conflicting classifications (1 of 4 stars). 4 submissions from 4 submitters: Uncertain significance (1); Likely benign (2). 1 of the submissions does not count toward it. Last evaluated 2025-10-05.

Conditions:
SH3PXD2B-related disorder. Also called: SH3PXD2B-related condition.
Inborn genetic diseases. Identifiers: MedGen C0950123, MeSH D030342.

Allele frequency attached by ClinVar (database versions not stated): gnomAD exomes 0.00023; ExAC 0.00033; 1000 Genomes Project 30x 0.00078; 1000 Genomes Project 0.00100; ESP Exome Variant Server 0.00108; gnomAD 0.00115 and 0.00118; TOPMed 0.00124.
gnomAD v4.1: 345 of 1,614,164 alleles (0.021%); highest among the groups gnomAD compares: African/African-American, 0.4%; 1 homozygote.

Submissions (4):

Labcorp Genetics (formerly Invitae), Labcorp
Classification: Likely benign. Last evaluated: 2025-10-05. Review status: criteria provided, single submitter. Criteria: Invitae Variant Classification Sherloc (09022015). Collection method: clinical testing. Allele origin: germline.

Ambry Genetics
Classification: Likely benign for Inborn genetic diseases. Last evaluated: 2023-04-13. Review status: criteria provided, single submitter. Criteria: Ambry Variant Classification Scheme 2023. Collection method: clinical testing. Allele origin: germline.

Eurofins Ntd Llc (ga)
Classification: Uncertain significance. Last evaluated: 2017-08-14. Review status: criteria provided, single submitter. Criteria: EGL Classification Definitions 2015. Collection method: clinical testing. Allele origin: germline. Observed: 1 variant allele, 1 heterozygote.

PreventionGenetics, part of Exact Sciences
Classification: Likely benign for SH3PXD2B-related condition. Last evaluated: 2024-01-08. Review status: no assertion criteria provided. Collection method: clinical testing. Allele origin: germline. Not counted in ClinVar's aggregate classification.
Comment: This variant is classified as likely benign based on ACMG/AMP sequence variant interpretation guidelines (Richards et al. 2015 PMID: 25741868, with internal and published modifications).

NM_001017995.3(SH3PXD2B):c.698C>T (p.Thr233Ile)

Gene: SH3PXD2B (SH3 and PX domains 2B; minus strand). Cytogenetic location: 5q35.1.
Variant type: single nucleotide variant.
Coding change: c.698C>T on transcript NM_001017995.3 (MANE Select); coding-DNA position 698, C replaced by T.
Protein change: p.Thr233Ile; replaces threonine 233 with isoleucine.
Molecular consequence: missense variant.
Genome position (GRCh38, 1-based): chr5:172,353,975, G>A on the plus strand (C>T on the coding strand, the complement: SH3PXD2B is on the minus strand). VCF-style: chr5-172353975-G-A. GRCh37 (hg19) VCF-style: chr5-171780979-G-A.
Other names: c.698C>T, p.Thr233Ile (NM_001308175.2); short protein forms T233I.
Identifiers: ClinVar variation 593684 (VCV000593684.18), dbSNP rs149519060, ClinGen allele CA3561440.